The following is an entry in ClinVar:

ClinVar aggregate classification (germline): Uncertain significance (1 of 4 stars; one submission).

Allele frequency attached by ClinVar (database versions not stated): ExAC 0.00001; TOPMed 0.00002; gnomAD exomes 0.00001; gnomAD 0.00003.
gnomAD v4.1: 14 of 1,613,388 alleles (0.00087%); highest among the groups gnomAD compares: East Asian, 0.0067%; no homozygotes.

Submissions (2):

Labcorp Genetics (formerly Invitae), Labcorp
Classification: Uncertain significance. Last evaluated: 2022-06-15. Review status: criteria provided, single submitter. Criteria: Invitae Variant Classification Sherloc (09022015). Collection method: clinical testing. Allele origin: germline.
Comment: This sequence change replaces asparagine, which is neutral and polar, with serine, which is neutral and polar, at codon 156 of the LOXL3 protein (p.Asn156Ser). In summary, the available evidence is currently insufficient to determine the role of this variant in disease. Therefore, it has been classified as a Variant of Uncertain Significance. Algorithms developed to predict the effect of missense changes on protein structure and function (SIFT, PolyPhen-2, Align-GVGD) all suggest that this variant is likely to be disruptive. This variant has not been reported in the literature in individuals affected with LOXL3-related conditions. This variant is present in population databases (rs756276203, gnomAD 0.007%).

Dr. Peter K. Rogan Lab, Western University
No classification provided (evidence only). Condition: Melanoma. Review status: no classification provided. Collection method: in vitro. Allele origin: not applicable. Functional consequence: skipped exon. Not counted in ClinVar's aggregate classification.

NM_032603.5(LOXL3):c.467A>G (p.Asn156Ser)

Genes: LOXL3 (lysyl oxidase like 3; minus strand), DOK1 (docking protein 1; plus strand). Cytogenetic location: 2p13.1.
Variant type: single nucleotide variant.
Coding change: c.467A>G on transcript NM_032603.5 (MANE Select); coding-DNA position 467, A replaced by G.
Protein change: p.Asn156Ser; replaces asparagine 156 with serine.
Molecular consequence: missense variant. On other transcripts: intron variant (1).
Genome position (GRCh38, 1-based): chr2:74,550,195, T>C on the plus strand (A>G on the coding strand, the complement: LOXL3 is on the minus strand). VCF-style: chr2-74550195-T-C. GRCh37 (hg19) VCF-style: chr2-74777322-T-C.
Other names: c.467A>G, p.Asn156Ser (NM_001289164.3); c.-358+1023T>C (NM_001197260.2); short protein forms N156S.
Identifiers: ClinVar variation 1968095 (VCV001968095.6), dbSNP rs756276203, ClinGen allele CA1729181.